The following is an entry in ClinVar:

NM_015015.3(KDM4B):c.2276C>T (p.Ala759Val)

Gene: KDM4B (lysine demethylase 4B; plus strand). Cytogenetic location: 19p13.3.
Variant type: single nucleotide variant.
Coding change: c.2276C>T on transcript NM_015015.3 (MANE Select); coding-DNA position 2276, C replaced by T.
Protein change: p.Ala759Val; replaces alanine 759 with valine.
Molecular consequence: missense variant.
Genome position (GRCh38, 1-based): chr19:5,135,529, C>T. VCF-style: chr19-5135529-C-T. GRCh37 (hg19) VCF-style: chr19-5135540-C-T.
Other names: c.2378C>T, p.Ala793Val (NM_001411148.1); short protein forms A759V, A793V.
Identifiers: ClinVar variation 2630098 (VCV002630098.1), dbSNP rs1397820479, ClinGen allele CA403503089.
Genomic context (GRCh38, chr19:5,135,529, plus strand): 5'-ACACGGAGCCGCTGCCTGCCAACTCCTACATCGGCGACGACGGGACCAGCCCCCTGATCG[C>T]CTGCGGCAAGTGCTGCCTGCAGGTCCATGCCAGTGAGTGCCACTGTGGGGCCCAGAGGAG-3'
Protein context (NP_055830.1, residues 749-769): IGDDGTSPLI[Ala759Val]CGKCCLQVHA

ClinVar aggregate classification (germline): Uncertain significance (1 of 4 stars; one submission).

Conditions:
KDM4B-related disorder. Also called: KDM4B-related condition.

Allele frequency attached by ClinVar (database versions not stated): gnomAD exomes below 0.00001; TOPMed below 0.00001; gnomAD 0.00001.
gnomAD v4.1: 2 of 1,607,192 alleles (0.00012%); highest among the groups gnomAD compares: Admixed American, 0.0017%; no homozygotes.

Submission:

PreventionGenetics, part of Exact Sciences
Classification: Uncertain significance for KDM4B-related condition. Last evaluated: 2023-01-06. Review status: criteria provided, single submitter. Criteria: ACMG Guidelines, 2015. Collection method: clinical testing. Allele origin: germline.
Comment: The KDM4B c.2276C>T variant is predicted to result in the amino acid substitution p.Ala759Val. To our knowledge, this variant has not been reported in the literature. This variant is reported in 0.0029% of alleles in individuals of Latino descent in gnomAD (2 alleles). At this time, the clinical significance of this variant is uncertain due to the absence of conclusive functional and genetic evidence.